The following is an entry in ClinVar:

NM_031443.4(CCM2):c.1238C>T (p.Ser413Leu)

Gene: CCM2 (CCM2 scaffold protein; plus strand). Cytogenetic location: 7p13.
Variant type: single nucleotide variant.
Coding change: c.1238C>T on transcript NM_031443.4 (MANE Select); coding-DNA position 1238, C replaced by T.
Protein change: p.Ser413Leu; replaces serine 413 with leucine.
Molecular consequence: missense variant. On other transcripts: non-coding transcript variant (1).
Genome position (GRCh38, 1-based): chr7:45,075,960, C>T. VCF-style: chr7-45075960-C-T. GRCh37 (hg19) VCF-style: chr7-45115559-C-T.
Other names: c.1301C>T, p.Ser434Leu (NM_001029835.2); c.1064C>T, p.Ser355Leu (NM_001167934.2); c.965C>T, p.Ser322Leu (NM_001167935.2); c.1361C>T, p.Ser454Leu (NM_001363458.2); c.1187C>T, p.Ser396Leu (NM_001363459.2); short protein forms S322L, S396L, S355L, S434L, S413L, S454L.
Identifiers: ClinVar variation 706523 (VCV000706523.15), dbSNP rs143962510, ClinGen allele CA4247294.
Genomic context (GRCh38, chr7:45,075,960, plus strand): 5'-GCACCACATCCAGTTCCACCACCAATGGGAACAGGGCCACGGGCAGCTCTGATGACCGGT[C>T]GGCACCCTCAGAGGGGGATGAGTGGGACCGCATGATCTCGGACATCAGCAGCGACATTGA-3'
Protein context (NP_113631.1, residues 403-423): NRATGSSDDR[Ser413Leu]APSEGDEWDR

ClinVar aggregate classification (germline): Conflicting classifications of pathogenicity. Review status: criteria provided, conflicting classifications (1 of 4 stars). 3 submissions from 3 submitters: Uncertain significance (1); Likely benign (2). Last evaluated 2026-01-20.

Conditions:
Inborn genetic diseases. Identifiers: MedGen C0950123, MeSH D030342.
Cerebral cavernous malformation 2. Also called: Familial Cerebral Cavernous Malformation 2. Identifiers: Orphanet 221061, MedGen C1864041, MONDO:0011304, OMIM 603284.

Allele frequency attached by ClinVar (database versions not stated): ESP Exome Variant Server 0.00008; gnomAD 0.00011; TOPMed 0.00015; gnomAD exomes 0.00026 and 0.00032; ExAC 0.00046.
gnomAD v4.1: 420 of 1,613,002 alleles (0.026%); highest among the groups gnomAD compares: South Asian, 0.058%; 2 homozygotes.

Submissions (3):

Labcorp Genetics (formerly Invitae), Labcorp
Classification: Likely benign for Cerebral cavernous malformation 2. Last evaluated: 2026-01-20. Review status: criteria provided, single submitter. Criteria: Invitae Variant Classification Sherloc (09022015). Collection method: clinical testing. Allele origin: germline.

CeGaT Center for Human Genetics Tuebingen
Classification: Likely benign. Last evaluated: 2025-12-01. Review status: criteria provided, single submitter. Criteria: CeGaT Center For Human Genetics Tuebingen Variant Classification Criteria Version 2. Collection method: clinical testing. Allele origin: germline. Affected: yes. Observed: 1 variant allele.
Comment: CCM2: BP4

Ambry Genetics
Classification: Uncertain significance for Inborn genetic diseases. Last evaluated: 2021-07-14. Review status: criteria provided, single submitter. Criteria: Ambry Variant Classification Scheme 2023. Collection method: clinical testing. Allele origin: germline.